The following is an entry in ClinVar:

NM_054027.6(ANKH):c.1304C>T (p.Ala435Val)

Genes: ANKH (ANKH inorganic pyrophosphate transport regulator; minus strand), OTULIN (OTU deubiquitinase with linear linkage specificity; plus strand), LOC100130744 (uncharacterized LOC100130744; plus strand). Cytogenetic location: 5p15.2.
Variant type: single nucleotide variant.
Coding change: c.1304C>T on transcript NM_054027.6 (MANE Select); coding-DNA position 1304, C replaced by T.
Protein change: p.Ala435Val; replaces alanine 435 with valine.
Molecular consequence: missense variant. On other transcripts: non-coding transcript variant (1).
Genome position (GRCh38, 1-based): chr5:14,712,935, G>A on the plus strand (C>T on the coding strand, the complement: ANKH is on the minus strand). VCF-style: chr5-14712935-G-A. GRCh37 (hg19) VCF-style: chr5-14713044-G-A.
Other names: short protein forms A435V.
Identifiers: ClinVar variation 906300 (VCV000906300.9), dbSNP rs761698657, ClinGen allele CA3208848.

ClinVar aggregate classification (germline): Conflicting classifications of pathogenicity. Review status: criteria provided, conflicting classifications (1 of 4 stars). 3 submissions from 2 submitters: Uncertain significance (1); Benign (1); Likely benign (1). Last evaluated 2025-09-21.

Conditions:
Craniometaphyseal dysplasia, autosomal dominant (CMDD). Identifiers: Orphanet 1522, MedGen C1852502, MONDO:0007397, OMIM 123000.
Chondrocalcinosis 2. Also called: Familial calcium pyrophosphate deposition; CALCIUM GOUT; CALCIUM PYROPHOSPHATE ARTHROPATHY. Identifiers: Orphanet 1416, MedGen C0856830, MONDO:0007319, OMIM 118600.

Allele frequency attached by ClinVar (database versions not stated): gnomAD exomes 0.00001; gnomAD 0.00003; TOPMed 0.00003; ExAC 0.00004.
gnomAD v4.1: 49 of 1,613,472 alleles (0.003%); highest among the groups gnomAD compares: African/African-American, 0.004%; no homozygotes.

Submissions (3):

Labcorp Genetics (formerly Invitae), Labcorp
Classification: Uncertain significance. Last evaluated: 2025-09-21. Review status: criteria provided, single submitter. Criteria: Invitae Variant Classification Sherloc (09022015). Collection method: clinical testing. Allele origin: germline.
Comment: This sequence change replaces alanine, which is neutral and non-polar, with valine, which is neutral and non-polar, at codon 435 of the ANKH protein (p.Ala435Val). This variant is present in population databases (rs761698657, gnomAD 0.003%). This variant has not been reported in the literature in individuals affected with ANKH-related conditions. ClinVar contains an entry for this variant (Variation ID: 906300). Invitae Evidence Modeling of protein sequence and biophysical properties (such as structural, functional, and spatial information, amino acid conservation, physicochemical variation, residue mobility, and thermodynamic stability) indicates that this missense variant is not expected to disrupt ANKH protein function with a negative predictive value of 80%. In summary, the available evidence is currently insufficient to determine the role of this variant in disease. Therefore, it has been classified as a Variant of Uncertain Significance.

Illumina Laboratory Services, Illumina
Classification: Likely benign for Chondrocalcinosis 2. Last evaluated: 2018-01-13. Review status: criteria provided, single submitter. Criteria: ICSL Variant Classification Criteria 13 December 2019. Collection method: clinical testing. Allele origin: germline.
Comment: This variant was observed in the ICSL laboratory as part of a predisposition screen in an ostensibly healthy population. It had not been previously curated by ICSL or reported in the Human Gene Mutation Database (HGMD: prior to June 1st, 2018), and was therefore a candidate for classification through an automated scoring system. Utilizing variant allele frequency, disease prevalence and penetrance estimates, and inheritance mode, an automated score was calculated to assess if this variant is too frequent to cause the disease. Based on the score and internal cut-off values, a variant classified as likely benign is not then subjected to further curation. The score for this variant resulted in a classification of likely benign for this disease.

Illumina Laboratory Services, Illumina
Classification: Benign for Craniometaphyseal dysplasia, autosomal dominant. Last evaluated: 2018-01-13. Review status: criteria provided, single submitter. Criteria: ICSL Variant Classification Criteria 13 December 2019. Collection method: clinical testing. Allele origin: germline.
Comment: This variant was observed in the ICSL laboratory as part of a predisposition screen in an ostensibly healthy population. It had not been previously curated by ICSL or reported in the Human Gene Mutation Database (HGMD: prior to June 1st, 2018), and was therefore a candidate for classification through an automated scoring system. Utilizing variant allele frequency, disease prevalence and penetrance estimates, and inheritance mode, an automated score was calculated to assess if this variant is too frequent to cause the disease. Based on the score and internal cut-off values, a variant classified as benign is not then subjected to further curation. The score for this variant resulted in a classification of benign for this disease.